The following is an entry in ClinVar:

ClinVar aggregate classification (germline): Pathogenic (1 of 4 stars; one submission).

Conditions:
Eichsfeld type congenital muscular dystrophy (CMYO3). Also called: MYOPATHY, SEPN1-RELATED; Rigid spine muscular dystrophy 1; SELENON-related myopathy; Congenital myopathy 3 with rigid spine. Identifiers: MedGen C0410180, MONDO:0100100, OMIM 602771.

Submission:

Labcorp Genetics (formerly Invitae), Labcorp
Classification: Pathogenic for Eichsfeld type congenital muscular dystrophy. Last evaluated: 2025-12-19. Review status: criteria provided, single submitter. Criteria: Invitae Variant Classification Sherloc (09022015). Collection method: clinical testing. Allele origin: germline.
Comment: This sequence change creates a premature translational stop signal (p.Val374Alafs*7) in the SELENON gene. It is expected to result in an absent or disrupted protein product. Loss-of-function variants in SELENON are known to be pathogenic (PMID: 21131290, 21670436). This variant is not present in population databases (gnomAD no frequency). This variant has not been reported in the literature in individuals affected with SELENON-related conditions. For these reasons, this variant has been classified as Pathogenic.

Literature cited by the submitters: PubMed 21131290; PubMed 21670436.

NM_206926.2(SELENON):c.1019_1020del (p.Val340fs)

Gene: SELENON (selenoprotein N; plus strand). Cytogenetic location: 1p36.11.
Variant type: Microsatellite.
Coding change: c.1019_1020del on transcript NM_206926.2 (MANE Select); coding-DNA positions 1019 to 1020, 2 bases deleted (TG; older notation c.1019_1020delTG).
Protein change: p.Val340fs; shifts the reading frame from valine 340.
Molecular consequence: frameshift variant.
Genome position (GRCh38, 1-based): chr1:25,811,719-25,811,720, TG deleted; deleting any 2 consecutive bases within chr1:25,811,717-25,811,720 gives the same sequence; the c. name uses the placement nearest the transcript's 3' end. VCF-style (leftmost placement, unchanged base first): chr1-25811716-CTG-C. GRCh37 (hg19) VCF-style: chr1-26138207-CTG-C.
Other names: c.1121_1122del, p.Val374fs (NM_020451.3); short protein forms V374fs, V340fs.
Identifiers: ClinVar variation 4733152 (VCV004733152.1).